The following is an entry in ClinVar:

NM_001366028.2(DNAH12):c.4714G>A (p.Asp1572Asn)

Gene: DNAH12 (dynein axonemal heavy chain 12; minus strand). Cytogenetic location: 3p14.3.
Variant type: single nucleotide variant.
Coding change: c.4714G>A on transcript NM_001366028.2 (MANE Select); coding-DNA position 4714, G replaced by A.
Protein change: p.Asp1572Asn; replaces aspartic acid 1572 with asparagine.
Molecular consequence: missense variant.
Genome position (GRCh38, 1-based): chr3:57,433,770, C>T on the plus strand (G>A on the coding strand, the complement: DNAH12 is on the minus strand). VCF-style: chr3-57433770-C-T. GRCh37 (hg19) VCF-style: chr3-57419497-C-T.
Other names: short protein forms D1572N.
Identifiers: ClinVar variation 402636 (VCV000402636.5), dbSNP rs6773904, ClinGen allele CA2464915.
Genomic context (GRCh38, chr3:57,433,770, plus strand): 5'-TTCTATAAATGACCTTTTCTTCCTCTCCATAGCCATGTTCATTCATTAAAGTTAGCGTAT[C>T]CGCCAGCACATGCAGAACTTTTGTCTTAGCAGCAAAAGGCTCTCCTACTAACATAAAACT-3'
Protein context (NP_001352957.1, residues 1562-1582): AKTKVLHVLA[Asp1572Asn]TLTLMNEHGY

ClinVar aggregate classification (germline): Benign. Review status: criteria provided, multiple submitters, no conflicts (2 of 4 stars). 2 submissions from 2 submitters: Benign (2). Last evaluated 2016-03-29.

Allele frequency attached by ClinVar (database versions not stated): gnomAD exomes 0.49436; TOPMed 0.39735; 1000 Genomes Project 30x 0.39772; ESP Exome Variant Server 0.40210; 1000 Genomes Project 0.40415; gnomAD 0.41034 and 0.41756; ExAC 0.50071.
gnomAD v4.1: 752,722 of 1,550,106 alleles (49%); highest among the groups gnomAD compares: South Asian, 56%; 187,650 homozygotes.

Submissions (2):

Laboratory for Molecular Medicine, Mass General Brigham Personalized Medicine
Classification: Benign. Last evaluated: 2016-03-29. Review status: criteria provided, single submitter. Criteria: LMM Criteria. Collection method: clinical testing. Allele origin: germline.
Comment: Variant identified in a genome or exome case(s) and assessed due to predicted null impact of the variant or pathogenic assertions in the literature or databases. Disclaimer: This variant has not undergone full assessment. The following are preliminary notes: Frequency

Breakthrough Genomics
Classification: Benign. Review status: criteria provided, single submitter. Criteria: ACMG Guidelines, 2015. Collection method: not provided. Allele origin: germline. Inheritance: Unknown mechanism. Affected: yes.